The following is an entry in ClinVar:

NM_018646.6(TRPV6):c.1825C>T (p.Leu609Phe)

Gene: TRPV6 (transient receptor potential cation channel subfamily V member 6; minus strand). Cytogenetic location: 7q34.
Variant type: single nucleotide variant.
Coding change: c.1825C>T on transcript NM_018646.6 (MANE Select); coding-DNA position 1825, C replaced by T.
Protein change: p.Leu609Phe; replaces leucine 609 with phenylalanine.
Molecular consequence: missense variant.
Genome position (GRCh38, 1-based): chr7:142,873,531, G>A on the plus strand (C>T on the coding strand, the complement: TRPV6 is on the minus strand). VCF-style: chr7-142873531-G-A. GRCh37 (hg19) VCF-style: chr7-142571284-G-A.
Other names: short protein forms L609F.
Identifiers: ClinVar variation 2982274 (VCV002982274.3), dbSNP rs2486193536, ClinGen allele CA369628656.

ClinVar aggregate classification (germline): Uncertain significance (1 of 4 stars; one submission).

Submission:

Labcorp Genetics (formerly Invitae), Labcorp
Classification: Uncertain significance. Last evaluated: 2024-01-27. Review status: criteria provided, single submitter. Criteria: Invitae Variant Classification Sherloc (09022015). Collection method: clinical testing. Allele origin: germline.
Comment: This sequence change replaces leucine, which is neutral and non-polar, with phenylalanine, which is neutral and non-polar, at codon 609 of the TRPV6 protein (p.Leu609Phe). This variant is not present in population databases (gnomAD no frequency). This missense change has been observed in individual(s) with early-onset chronic pancreatitis (PMID: 31930989). Experimental studies and prediction algorithms are not available or were not evaluated, and the functional significance of this variant is currently unknown. In summary, the available evidence is currently insufficient to determine the role of this variant in disease. Therefore, it has been classified as a Variant of Uncertain Significance.

Literature cited by the submitters: PubMed 31930989.